The following is an entry in ClinVar:

NM_000890.5(KCNJ5):c.837G>C (p.Glu279Asp)

Gene: KCNJ5 (potassium inwardly rectifying channel subfamily J member 5; plus strand). Cytogenetic location: 11q24.3.
Variant type: single nucleotide variant.
Coding change: c.837G>C on transcript NM_000890.5 (MANE Select); coding-DNA position 837, G replaced by C.
Protein change: p.Glu279Asp; replaces glutamic acid 279 with aspartic acid.
Molecular consequence: missense variant.
Genome position (GRCh38, 1-based): chr11:128,912,110, G>C. VCF-style: chr11-128912110-G-C. GRCh37 (hg19) VCF-style: chr11-128782005-G-C.
Other names: c.837G>C, p.Glu279Asp (NM_001354169.2); short protein forms E279D.
Identifiers: ClinVar variation 1763156 (VCV001763156.2), dbSNP rs149861510, ClinGen allele CA383251221.

ClinVar aggregate classification (germline): Uncertain significance (1 of 4 stars; one submission).

Conditions:
Cardiovascular phenotype. Identifiers: MedGen CN230736.

Submission:

Ambry Genetics
Classification: Uncertain significance for Cardiovascular phenotype. Last evaluated: 2021-01-26. Review status: criteria provided, single submitter. Criteria: Ambry Variant Classification Scheme 2023. Collection method: clinical testing. Allele origin: germline.
Comment: The p.E279D variant (also known as c.837G>C), located in coding exon 1 of the KCNJ5 gene, results from a G to C substitution at nucleotide position 837. The glutamic acid at codon 279 is replaced by aspartic acid, an amino acid with highly similar properties. This amino acid position is highly conserved in available vertebrate species. In addition, this alteration is predicted to be deleterious by in silico analysis. Since supporting evidence is limited at this time, the clinical significance of this alteration remains unclear.